The following is an entry in ClinVar:

NM_001041.4(SI):c.3064G>A (p.Val1022Met)

Gene: SI (sucrase-isomaltase; minus strand). Cytogenetic location: 3q26.1.
Variant type: single nucleotide variant.
Coding change: c.3064G>A on transcript NM_001041.4 (MANE Select); coding-DNA position 3064, G replaced by A.
Protein change: p.Val1022Met; replaces valine 1022 with methionine.
Molecular consequence: missense variant.
Genome position (GRCh38, 1-based): chr3:165,023,605, C>T on the plus strand (G>A on the coding strand, the complement: SI is on the minus strand). VCF-style: chr3-165023605-C-T. GRCh37 (hg19) VCF-style: chr3-164741393-C-T.
Other names: short protein forms V1022M.
Identifiers: ClinVar variation 1377529 (VCV001377529.7), dbSNP rs201018248, ClinGen allele CA2690403.

ClinVar aggregate classification (germline): Uncertain significance. Review status: criteria provided, multiple submitters, no conflicts (2 of 4 stars). 2 submissions from 2 submitters: Uncertain significance (2). Last evaluated 2022-03-03.

Conditions:
Sucrase-isomaltase deficiency (CSID). Also called: SI DEFICIENCY; Congenital sucrose isomaltose malabsorption; Sucrose isomaltose enzyme deficiency; Deficiency of isomaltase. Identifiers: Orphanet 35122, MedGen C1283620, MONDO:0009114, OMIM 222900.

Allele frequency attached by ClinVar (database versions not stated): gnomAD exomes below 0.00001; ExAC 0.00001; TOPMed 0.00001.
gnomAD v4.1: 1 of 1,610,612 alleles (0.000062%); no homozygotes.

Submissions (2):

Fulgent Genetics
Classification: Uncertain significance for Sucrase-isomaltase deficiency. Last evaluated: 2022-03-03. Review status: criteria provided, single submitter. Criteria: ACMG Guidelines, 2015. Collection method: clinical testing. Allele origin: unknown.

Labcorp Genetics (formerly Invitae), Labcorp
Classification: Uncertain significance. Last evaluated: 2021-08-25. Review status: criteria provided, single submitter. Criteria: Invitae Variant Classification Sherloc (09022015). Collection method: clinical testing. Allele origin: germline.
Comment: Advanced modeling of protein sequence and biophysical properties (such as structural, functional, and spatial information, amino acid conservation, physicochemical variation, residue mobility, and thermodynamic stability) performed at Invitae indicates that this missense variant is expected to disrupt SI protein function. In summary, the available evidence is currently insufficient to determine the role of this variant in disease. Therefore, it has been classified as a Variant of Uncertain Significance. This variant has not been reported in the literature in individuals affected with SI-related conditions. This sequence change replaces valine with methionine at codon 1022 of the SI protein (p.Val1022Met). The valine residue is moderately conserved and there is a small physicochemical difference between valine and methionine. This variant is present in population databases (rs201018248, ExAC 0.01%).